The following is an entry in ClinVar:

ClinVar aggregate classification (germline): Uncertain significance (1 of 4 stars; one submission).

Conditions:
Genitopatellar syndrome (GTPTS). Also called: ABSENT PATELLAE, SCROTAL HYPOPLASIA, RENAL ANOMALIES, FACIAL DYSMORPHISM, AND MENTAL RETARDATION; Genitopatellar syndrome (GPS). Identifiers: Orphanet 85201, MedGen C1853566, MONDO:0011640, OMIM 606170.

Submission:

Labcorp Genetics (formerly Invitae), Labcorp
Classification: Uncertain significance for Genitopatellar syndrome. Last evaluated: 2022-06-30. Review status: criteria provided, single submitter. Criteria: Invitae Variant Classification Sherloc (09022015). Collection method: clinical testing. Allele origin: germline.
Comment: In summary, the available evidence is currently insufficient to determine the role of this variant in disease. Therefore, it has been classified as a Variant of Uncertain Significance. Algorithms developed to predict the effect of missense changes on protein structure and function are either unavailable or do not agree on the potential impact of this missense change (SIFT: "Deleterious"; PolyPhen-2: "Benign"; Align-GVGD: "Class C0"). This variant has not been reported in the literature in individuals affected with KAT6B-related conditions. This variant is not present in population databases (gnomAD no frequency). This sequence change replaces proline, which is neutral and non-polar, with arginine, which is basic and polar, at codon 1110 of the KAT6B protein (p.Pro1110Arg).

NM_012330.4(KAT6B):c.3329C>G (p.Pro1110Arg)

Gene: KAT6B (lysine acetyltransferase 6B; plus strand). Cytogenetic location: 10q22.2.
Variant type: single nucleotide variant.
Coding change: c.3329C>G on transcript NM_012330.4 (MANE Select); coding-DNA position 3329, C replaced by G.
Protein change: p.Pro1110Arg; replaces proline 1110 with arginine.
Molecular consequence: missense variant.
Genome position (GRCh38, 1-based): chr10:75,022,188, C>G. VCF-style: chr10-75022188-C-G. GRCh37 (hg19) VCF-style: chr10-76781946-C-G.
Other names: c.2780C>G, p.Pro927Arg (NM_001256468.2, NM_001370138.1); c.2453C>G, p.Pro818Arg (NM_001256469.2, NM_001370139.1, NM_001370140.1 and 2 more transcripts); c.2291C>G, p.Pro764Arg (NM_001370132.1); c.1640C>G, p.Pro547Arg (NM_001370133.1); c.1244C>G, p.Pro415Arg (NM_001370134.1); c.986C>G, p.Pro329Arg (NM_001370135.1); c.3329C>G, p.Pro1110Arg (NM_001370136.1, NM_001370137.1); c.2264C>G, p.Pro755Arg (NM_001370143.1, NM_001370144.1); short protein forms P764R, P818R, P927R, P1110R, P329R, P415R, P547R, P755R.
Identifiers: ClinVar variation 2012595 (VCV002012595.4), dbSNP rs1589825701, ClinGen allele CA377284988.